The following is an entry in ClinVar:

NM_002667.5(PLN):c.73C>T (p.Arg25Cys)

Genes: CEP85L (centrosomal protein 85L; minus strand), PLN (phospholamban; plus strand). Cytogenetic location: 6q22.31.
Variant type: single nucleotide variant.
Coding change: c.73C>T on transcript NM_002667.5 (MANE Select); coding-DNA position 73, C replaced by T.
Protein change: p.Arg25Cys; replaces arginine 25 with cysteine.
Molecular consequence: missense variant. On other transcripts: intron variant (3).
Genome position (GRCh38, 1-based): chr6:118,558,994, C>T. VCF-style: chr6-118558994-C-T. GRCh37 (hg19) VCF-style: chr6-118880157-C-T.
Other names: p.R25C:CGT>TGT; c.1029+6535G>A (NM_001178035.2); c.1020+6535G>A (NM_001042475.3, NM_206921.3); c.73C>T (NM_002667.4); short protein forms R25C.
Identifiers: ClinVar variation 202040 (VCV000202040.19), dbSNP rs761056344, ClinGen allele CA335503.

ClinVar aggregate classification (germline): Conflicting classifications of pathogenicity. Review status: criteria provided, conflicting classifications (1 of 4 stars). 7 submissions from 7 submitters: Likely pathogenic (1); Uncertain significance (4). 2 of the submissions do not count toward it. Last evaluated 2026-07-22.

Conditions:
PLN-related disorder. Also called: PLN-related condition.
Cardiovascular phenotype. Identifiers: MedGen CN230736.
Hypertrophic cardiomyopathy 18. Identifiers: MedGen C3151265, MONDO:0013475, OMIM 613874.
Dilated cardiomyopathy 1P (CMD1P). Identifiers: Orphanet 154, MedGen C1835928, MONDO:0012362, OMIM 609909.
Primary dilated cardiomyopathy (DCM). Also called: Dilated Cardiomyopathy. Identifiers: Orphanet 217604, MedGen C0007193, MeSH D002311, MONDO:0005021, HP:0001644. Inheritance: Various modes of inheritance.

Allele frequency attached by ClinVar (database versions not stated): ExAC 0.00001; gnomAD 0.00001; TOPMed 0.00002.
gnomAD v4.1: 19 of 1,609,908 alleles (0.0012%); highest among the groups gnomAD compares: Admixed American, 0.012%; no homozygotes.

Submissions (7):

PreventionGenetics, part of Exact Sciences
Classification: Uncertain significance for PLN-related condition. Last evaluated: 2026-07-22. Review status: criteria provided, single submitter. Criteria: ACMG Guidelines, 2015. Collection method: clinical testing. Allele origin: germline.
Comment: The PLN c.73C>T variant is predicted to result in the amino acid substitution p.Arg25Cys. This variant has been reported in individuals with dilated cardiomyopathy (DCM; Liu et al. 2015. PubMed ID: 25852082; Fish et al. 2016. PubMed ID: 26917049; Supplemental File 2, van Lint et al. 2019. PubMed ID: 30847666), hypertrophic cardiomyopathy (HCM; Table S1, Lopes et al. 2015. PubMed ID: 25351510), and SCN5A-negative Brugada syndrome (Behr et al. 2015. PubMed ID: 25691538). This variant partially co-segregated in four of seven affected individuals from a single family (Pedigree S) with DCM and arrhythmia (Liu et al. 2015. PubMed ID: 25852082; Cowan et al. 2018. PubMed ID: 30012837); however, a previous genetic study of this family (Parks et al. 2008. PubMed ID: 18585512) found that the remaining three affected PLN-negative individuals were heterozygous for a LMNA variant (p.Arg654*). Of note, only the proband in this family carried both variants; the level of disease severity was similar to siblings carrying either PLN p.Arg25Cys or LMNA p.Arg654* alone (Cowan et al. 2018. PubMed ID: 30012837). Experimental studies suggest that the p.Arg25Cys variant induces a conformational change that enhances inhibitory SERCA2 binding, thereby disrupting calcium influx into the sarcoplasmic reticulum and leading to altered cardiac muscle contractility (Liu et al. 2015. PubMed ID: 25852082; Nelson et al. 2018. PubMed ID: 29501609). This variant is reported in 0.012% of alleles in individuals of Latino descent in gnomAD. Although we suspect that this variant may be pathogenic, the clinical significance of this variant is uncertain at this time due to the absence of conclusive functional and genetic evidence.

Molecular Diagnostic Laboratory for Inherited Cardiovascular Disease, Montreal Heart Institute
Classification: Uncertain significance for Cardiovascular phenotype. Last evaluated: 2026-03-27. Review status: criteria provided, single submitter. Criteria: ACMG Guidelines, 2015. Collection method: clinical testing. Allele origin: germline. Affected: yes.
Comment: PS3_supp, PP1

Labcorp Genetics (formerly Invitae), Labcorp
Classification: Likely pathogenic for Dilated cardiomyopathy 1P. Last evaluated: 2025-10-27. Review status: criteria provided, single submitter. Criteria: Invitae Variant Classification Sherloc (09022015). Collection method: clinical testing. Allele origin: germline.
Comment: This sequence change replaces arginine, which is basic and polar, with cysteine, which is neutral and slightly polar, at codon 25 of the PLN protein (p.Arg25Cys). This variant is present in population databases (rs761056344, gnomAD 0.009%). This missense change has been observed in individuals with dilated cardiomyopathy (PMID: 25852082, 30847666; internal data). It has also been observed to segregate with disease in related individuals. ClinVar contains an entry for this variant (Variation ID: 202040). An algorithm developed to predict the effect of missense changes on protein structure and function (PolyPhen-2) suggests that this variant is likely to be disruptive. Experimental studies have shown that this missense change affects PLN function (PMID: 25852082). This variant disrupts the p.Arg25 amino acid residue in PLN. Other variant(s) that disrupt this residue have been observed in individuals with PLN-related conditions (internal data), which suggests that this may be a clinically significant amino acid residue. In summary, the currently available evidence indicates that the variant is pathogenic, but additional data are needed to prove that conclusively. Therefore, this variant has been classified as Likely Pathogenic.

GeneDx
Classification: Uncertain significance. Last evaluated: 2025-10-21. Review status: criteria provided, single submitter. Criteria: GeneDx Variant Classification Process June 2021. Collection method: clinical testing. Allele origin: germline. Affected: yes.
Comment: In silico analysis supports that this missense variant does not alter protein structure/function; Functional studies have demonstrated that p.(R25C) can result in aberrant sarcoplasmic reticulum Ca2+-ATPase (SERCA), however, these experimental models may not accurately reflect the impact of p.(R25C) in human myocytes heterozygous for this variant (PMID: 25852082, 29501609); Identified in patients with Brugada syndrome, HCM, DCM, and arrhythmia; several patients harbored additional cardiogenetic variants (PMID: 25852082, 39094681, 25351510, 36264615, 30847666, 25691538); This variant is associated with the following publications: (PMID: 26014576, 30821013, 30012837, 29501609, 38986894, 36264615, 25691538, 25852082, 30847666, 25351510, 39094681, 40556736, 38659742)

Ambry Genetics
Classification: Uncertain significance for Cardiovascular phenotype. Last evaluated: 2025-04-16. Review status: criteria provided, single submitter. Criteria: Ambry Variant Classification Scheme 2023. Collection method: clinical testing. Allele origin: germline.
Comment: The p.R25C variant (also known as c.73C>T), located in coding exon 1 of the PLN gene, results from a C to T substitution at nucleotide position 73. The arginine at codon 25 is replaced by cysteine, an amino acid with highly dissimilar properties. This variant was reported in individual(s) with features consistent with dilated cardiomyopathy (DCM) (Liu GS et al. Cardiovasc. Res., 2015 Jul;107:164-74; Bourfiss M et al. Circ Genom Precis Med, 2022 Dec;15:e003704; Ambry internal data). This amino acid position is highly conserved in available vertebrate species. In addition, this alteration is predicted to be deleterious by in silico analysis. Based on the available evidence, the clinical significance of this variant remains unclear.

Biotechnology Department, Cairo University
Classification: Likely pathogenic for Hypertrophic cardiomyopathy 18. Review status: no assertion criteria provided. Collection method: research. Allele origin: germline. Inheritance: Autosomal dominant inheritance. Affected: yes. Not counted in ClinVar's aggregate classification.
Comment: The NM_002667 c.73C>T variant (p.Arg25Cys), located in coding exon 2 of the PLN gene, results from a C to T substitution at nucleotide position 73. This variant is present in population databases (rs761056344, gnomAD 0.00003185). This missense change has been observed in individuals with hypertrophic cardiomyopathy (PMID: 26917049, 25351510). An algorithm developed to predict the effect of missense changes on protein structure and function (PolyPhenVal ) suggests that this variant is likely damaging. The development of PLN-induced cardiomyopathy is primarily connected to dysfunction in SERCA2 and improper handling of Ca2+, which considerably impacts the heart's contraction and relaxation processes [Young et al. 2015]. Given that PLN is a minimal gene with only one coding exon, there are only a limited number of identified variants, and its anticipated contribution to HCM is minimal, estimated at less than 1%.In summary, the currently available evidence indicates that the variant is pathogenic, but additional data are needed to prove that. Therefore, this variant has been classified as Likely Pathogenic.

University of Washington Center for Mendelian Genomics, University of Washington
Classification: Uncertain significance for Dilated Cardiomyopathy. Review status: no assertion criteria provided. Collection method: research. Allele origin: inherited. Affected: yes. Not counted in ClinVar's aggregate classification.

Literature cited by the submitters: PubMed 25852082 (cited by Labcorp Genetics (formerly Invitae), Labcorp and Ambry Genetics); PubMed 30847666 (cited by Labcorp Genetics (formerly Invitae), Labcorp and Ambry Genetics); PubMed 16897780 (cited by Ambry Genetics); PubMed 25351510 (cited by Ambry Genetics and Biotechnology Department, Cairo University); PubMed 25691538 (cited by Ambry Genetics); PubMed 30012515 (cited by Ambry Genetics); PubMed 30012837 (cited by Ambry Genetics and University of Washington Center for Mendelian Genomics, University of Washington); PubMed 36264615 (cited by Ambry Genetics); PubMed 26917049 (cited by Biotechnology Department, Cairo University); DOI 10.1139/bcb-2014-0080 (cited by Biotechnology Department, Cairo University).